The following is an entry in ClinVar:

NM_001100913.3(PACS2):c.741+5G>A

Gene: PACS2 (phosphofurin acidic cluster sorting protein 2; plus strand). Cytogenetic location: 14q32.33.
Variant type: single nucleotide variant.
Coding change: c.741+5G>A on transcript NM_001100913.3 (MANE Select); 5 bases into the intron after coding-DNA position 741, G replaced by A.
Molecular consequence: intron variant.
Genome position (GRCh38, 1-based): chr14:105,368,544, G>A. VCF-style: chr14-105368544-G-A. GRCh37 (hg19) VCF-style: chr14-105834881-G-A.
Other names: c.516+29G>A (NM_001243127.3); c.741+5G>A (NM_015197.4).
Identifiers: ClinVar variation 2754380 (VCV002754380.3), dbSNP rs2544703639, ClinGen allele CA2697554252.

ClinVar aggregate classification (germline): Uncertain significance (1 of 4 stars; one submission).

Submission:

Labcorp Genetics (formerly Invitae), Labcorp
Classification: Uncertain significance. Last evaluated: 2024-01-30. Review status: criteria provided, single submitter. Criteria: Invitae Variant Classification Sherloc (09022015). Collection method: clinical testing. Allele origin: germline.
Comment: This sequence change falls in intron 7 of the PACS2 gene. It does not directly change the encoded amino acid sequence of the PACS2 protein. It affects a nucleotide within the consensus splice site. This variant is not present in population databases (gnomAD no frequency). This variant has not been reported in the literature in individuals affected with PACS2-related conditions. Variants that disrupt the consensus splice site are a relatively common cause of aberrant splicing (PMID: 17576681, 9536098). Algorithms developed to predict the effect of sequence changes on RNA splicing suggest that this variant may disrupt the consensus splice site. In summary, the available evidence is currently insufficient to determine the role of this variant in disease. Therefore, it has been classified as a Variant of Uncertain Significance.

Literature cited by the submitters: PubMed 17576681; PubMed 9536098.